The following is an entry in ClinVar:

ClinVar aggregate classification (germline): Conflicting classifications of pathogenicity. Review status: criteria provided, conflicting classifications (1 of 4 stars). 4 submissions from 4 submitters: Uncertain significance (2); Benign (1). 1 of the submissions does not count toward it. Last evaluated 2026-01-05.

Conditions:
Predisposition to Wilms tumor.
CTR9-related neurodevelopmental disorder. Identifiers: MedGen CN378764, MONDO:1040006.
CTR9-related disorder. Also called: CTR9-related condition.

Allele frequency attached by ClinVar (database versions not stated): gnomAD 0.00003; TOPMed 0.00002.
gnomAD v4.1: 13 of 1,577,520 alleles (0.00082%); highest among the groups gnomAD compares: Admixed American, 0.0084%; no homozygotes.

Submissions (4):

Labcorp Genetics (formerly Invitae), Labcorp
Classification: Uncertain significance. Last evaluated: 2026-01-05. Review status: criteria provided, single submitter. Criteria: Invitae Variant Classification Sherloc (09022015). Collection method: clinical testing. Allele origin: germline.
Comment: This sequence change falls in intron 24 of the CTR9 gene. It does not directly change the encoded amino acid sequence of the CTR9 protein. It affects a nucleotide within the consensus splice site. This variant is not present in population databases (gnomAD no frequency). This variant has not been reported in the literature in individuals affected with CTR9-related conditions. ClinVar contains an entry for this variant (Variation ID: 2706723). Variants that disrupt the consensus splice site are a relatively common cause of aberrant splicing (PMID: 17576681, 9536098). Algorithms developed to predict the effect of sequence changes on RNA splicing suggest that this variant is not likely to affect RNA splicing. In summary, the available evidence is currently insufficient to determine the role of this variant in disease. Therefore, it has been classified as a Variant of Uncertain Significance.

Mendelics
Classification: Benign for CTR9-related neurodevelopmental disorder. Last evaluated: 2025-02-07. Review status: criteria provided, single submitter. Criteria: ACMG Guidelines, 2015. Collection method: clinical testing. Allele origin: unknown.
Comment: This variant is considered likely benign or benign based on one or more of the following: it is predicted to be benign by multiple in silico algorithms, and/or has population frequency not consistent with disease, and/or has normal protein function, and/or has lack of segregation with disease, and/or has been detected in co-occurrence with known pathogenic variant, and/or has lack of disease association in case-control studies, and/or is located in a region inconsistent with a known cause of pathogenicity. GnomAD 4.1.0 frequency 0.000008241 0 homozygotes. Predictors: benign. Frequency in internal database for tests positives for other diseases.

St. Jude Molecular Pathology, St. Jude Children's Research Hospital
Classification: Uncertain significance for Predisposition to Wilms tumor. Last evaluated: 2024-06-21. Review status: criteria provided, single submitter. Criteria: St. Jude Assertion Criteria 2020. Collection method: clinical testing. Allele origin: germline.
Comment: The CTR9 c.3095+4G>A intronic change is a G to A substitution at the +4 position of intron 24 of the CTR9 gene. Algorithms that predict the impact of sequence changes on splicing indicate that this variant does not affect splicing, and internal RNA data cannot conclusively determine the impact of this variant. This variant is absent in gnomAD v2.1.1. To our knowledge, this variant has not been reported in the literature in individuals with a personal and/or family history of Wilms tumor. In summary, the evidence currently available is insufficient to determine the clinical significance of this variant. It has therefore been classified as of uncertain significance.

PreventionGenetics, part of Exact Sciences
Classification: Likely benign for CTR9-related condition. Last evaluated: 2023-11-22. Review status: no assertion criteria provided. Collection method: clinical testing. Allele origin: germline. Not counted in ClinVar's aggregate classification.
Comment: This variant is classified as likely benign based on ACMG/AMP sequence variant interpretation guidelines (Richards et al. 2015 PMID: 25741868, with internal and published modifications).

Literature cited by the submitters: PubMed 17576681 (cited by Labcorp Genetics (formerly Invitae), Labcorp); PubMed 9536098 (cited by Labcorp Genetics (formerly Invitae), Labcorp).

NM_014633.5(CTR9):c.3095+4G>A

Gene: CTR9 (CTR9 component of Paf1/RNA polymerase II complex; plus strand). Cytogenetic location: 11p15.4.
Variant type: single nucleotide variant.
Coding change: c.3095+4G>A on transcript NM_014633.5 (MANE Select); 4 bases into the intron after coding-DNA position 3095, G replaced by A.
Molecular consequence: intron variant.
Genome position (GRCh38, 1-based): chr11:10,775,637, G>A. VCF-style: chr11-10775637-G-A. GRCh37 (hg19) VCF-style: chr11-10797184-G-A.
Other names: c.3023+4G>A (NM_001346279.2); c.3095+4G>A (NM_014633.4).
Identifiers: ClinVar variation 2706723 (VCV002706723.6), dbSNP rs1021694407, ClinGen allele CA217713477.